The following is an entry in ClinVar:

NM_015450.3(POT1):c.1370G>T (p.Gly457Val)

Gene: POT1 (protection of telomeres 1; minus strand). Cytogenetic location: 7q31.33.
Variant type: single nucleotide variant.
Coding change: c.1370G>T on transcript NM_015450.3 (MANE Select); coding-DNA position 1370, G replaced by T.
Protein change: p.Gly457Val; replaces glycine 457 with valine.
Molecular consequence: missense variant. On other transcripts: non-coding transcript variant (3).
Genome position (GRCh38, 1-based): chr7:124,835,414, C>A on the plus strand (G>T on the coding strand, the complement: POT1 is on the minus strand). VCF-style: chr7-124835414-C-A. GRCh37 (hg19) VCF-style: chr7-124475468-C-A.
Other names: c.977G>T, p.Gly326Val (NM_001042594.2); c.1370G>T (NM_015450.2); short protein forms G326V, G457V.
Identifiers: ClinVar variation 2848449 (VCV002848449.5), dbSNP rs1794876332, ClinGen allele CA369066074.

ClinVar aggregate classification (germline): Uncertain significance. Review status: criteria provided, multiple submitters, no conflicts (2 of 4 stars). 2 submissions from 2 submitters: Uncertain significance (2). Last evaluated 2025-08-13.

Conditions:
Tumor predisposition syndrome 3 (TPDS3). Also called: LONG TELOMERE SYNDROME, POT1-RELATED; POT1 Tumor Predisposition; Melanoma, cutaneous malignant, susceptibility to, 10; Glioma susceptibility 9. Identifiers: Orphanet 618, MedGen C4014476, MONDO:0014368, OMIM 615848.
Hereditary cancer-predisposing syndrome. Also called: Tumor predisposition; Hereditary neoplastic syndrome; Hereditary Cancer Syndrome; Neoplastic Syndromes, Hereditary. Identifiers: Orphanet 140162, MedGen C0027672, MeSH D009386, MONDO:0015356.

Allele frequency attached by ClinVar (database versions not stated): TOPMed below 0.00001.

Submissions (2):

Ambry Genetics
Classification: Uncertain significance for Hereditary cancer-predisposing syndrome. Last evaluated: 2025-08-13. Review status: criteria provided, single submitter. Criteria: Ambry Variant Classification Scheme 2023. Collection method: clinical testing. Allele origin: germline.
Comment: The c.1370G>T variant (also known as p.G457V) is located in coding exon 11 of the POT1 gene. This nucleotide position is highly conserved in available vertebrate species. This change occurs in the first base pair of coding exon 11. The glycine at codon 457 is replaced by valine, an amino acid with dissimilar properties. In silico splice site analysis predicts that this alteration will weaken the native splice acceptor site; however, direct evidence is insufficient at this time (Ambry internal data). In addition, as a missense substitution this is predicted to be deleterious by in silico analysis. This amino acid position is highly conserved in available vertebrate species. Based on the available evidence, the clinical significance of this alteration remains unclear.

Labcorp Genetics (formerly Invitae), Labcorp
Classification: Uncertain significance for Tumor predisposition syndrome 3. Last evaluated: 2023-03-14. Review status: criteria provided, single submitter. Criteria: Invitae Variant Classification Sherloc (09022015). Collection method: clinical testing. Allele origin: germline.
Comment: In summary, the available evidence is currently insufficient to determine the role of this variant in disease. Therefore, it has been classified as a Variant of Uncertain Significance. Algorithms developed to predict the effect of sequence changes on RNA splicing suggest that this variant may disrupt the consensus splice site. An algorithm developed to predict the effect of missense changes on protein structure and function (PolyPhen-2) suggests that this variant is likely to be disruptive. This variant has not been reported in the literature in individuals affected with POT1-related conditions. This variant is not present in population databases (gnomAD no frequency). This sequence change replaces glycine, which is neutral and non-polar, with valine, which is neutral and non-polar, at codon 457 of the POT1 protein (p.Gly457Val).